The following is an entry in ClinVar:

NM_000350.3(ABCA4):c.5714+10T>C

Gene: ABCA4 (ATP binding cassette subfamily A member 4; minus strand). Cytogenetic location: 1p22.1.
Variant type: single nucleotide variant.
Coding change: c.5714+10T>C on transcript NM_000350.3 (MANE Select); 10 bases into the intron after coding-DNA position 5714, T replaced by C.
Molecular consequence: intron variant.
Genome position (GRCh38, 1-based): chr1:94,010,790, A>G on the plus strand (T>C on the coding strand, the complement: ABCA4 is on the minus strand). VCF-style: chr1-94010790-A-G. GRCh37 (hg19) VCF-style: chr1-94476346-A-G.
Other names: c.5714+10T>C (NM_000350.2).
Identifiers: ClinVar variation 1646674 (VCV001646674.10), dbSNP rs758707705, ClinGen allele CA957173.
Genomic context (GRCh38, chr1:94,010,790, plus strand): 5'-CATGTGGGTATAAGGTCCAGTTCTGGATGCCCTGAGCTGCCCACTGGCCCAGGGTGTGGC[A>G]TGGACGTACCATTGGGAGAGGAAGAAGTGGCGCTGGACCAGCAGGGTCAGGAGGAAGTAC-3'

ClinVar aggregate classification (germline): Likely benign. Review status: criteria provided, multiple submitters, no conflicts (2 of 4 stars). 3 submissions from 3 submitters: Likely benign (3). Last evaluated 2025-06-24.

Conditions:
ABCA4-related disorder. Also called: ABCA4-related disorders; ABCA4-related condition. Identifiers: MedGen CN239167.

Allele frequency attached by ClinVar (database versions not stated): gnomAD exomes 0.00002; ExAC 0.00003; gnomAD 0.00004.
gnomAD v4.1: 33 of 1,614,032 alleles (0.002%); highest among the groups gnomAD compares: African/African-American, 0.0027%; no homozygotes.

Submissions (3):

PreventionGenetics, part of Exact Sciences
Classification: Likely benign for ABCA4-related condition. Last evaluated: 2025-06-24. Review status: criteria provided, single submitter. Criteria: ACMG Guidelines, 2015. Collection method: clinical testing. Allele origin: germline.
Comment: This variant is classified as likely benign based on ACMG/AMP sequence variant interpretation guidelines (Richards et al. 2015 PMID: 25741868, with internal and published modifications).

Labcorp Genetics (formerly Invitae), Labcorp
Classification: Likely benign. Last evaluated: 2025-05-22. Review status: criteria provided, single submitter. Criteria: Invitae Variant Classification Sherloc (09022015). Collection method: clinical testing. Allele origin: germline.

Blueprint Genetics
Classification: Likely benign. Last evaluated: 2024-01-31. Review status: criteria provided, single submitter. Criteria: ACMG Guidelines, 2015. Collection method: clinical testing. Allele origin: germline.